The following is an entry in ClinVar:

NM_007055.4(POLR3A):c.2077A>G (p.Asn693Asp)

Gene: POLR3A (RNA polymerase III subunit A; minus strand). Cytogenetic location: 10q22.3.
Variant type: single nucleotide variant.
Coding change: c.2077A>G on transcript NM_007055.4 (MANE Select); coding-DNA position 2077, A replaced by G.
Protein change: p.Asn693Asp; replaces asparagine 693 with aspartic acid.
Molecular consequence: missense variant.
Genome position (GRCh38, 1-based): chr10:78,004,886, T>C on the plus strand (A>G on the coding strand, the complement: POLR3A is on the minus strand). VCF-style: chr10-78004886-T-C. GRCh37 (hg19) VCF-style: chr10-79764644-T-C.
Other names: short protein forms N693D.
Identifiers: ClinVar variation 1404399 (VCV001404399.8), dbSNP rs1181133873, ClinGen allele CA377338741.

ClinVar aggregate classification (germline): Uncertain significance (1 of 4 stars; one submission).

Allele frequency attached by ClinVar (database versions not stated): gnomAD exomes below 0.00001.

Submission:

Labcorp Genetics (formerly Invitae), Labcorp
Classification: Uncertain significance. Last evaluated: 2021-07-05. Review status: criteria provided, single submitter. Criteria: Invitae Variant Classification Sherloc (09022015). Collection method: clinical testing. Allele origin: germline.
Comment: In summary, the available evidence is currently insufficient to determine the role of this variant in disease. Therefore, it has been classified as a Variant of Uncertain Significance. Algorithms developed to predict the effect of missense changes on protein structure and function are either unavailable or do not agree on the potential impact of this missense change (SIFT: "Deleterious"; PolyPhen-2: "Benign"; Align-GVGD: "Class C0"). This sequence change replaces asparagine with aspartic acid at codon 693 of the POLR3A protein (p.Asn693Asp). The asparagine residue is highly conserved and there is a small physicochemical difference between asparagine and aspartic acid. This variant is not present in population databases (ExAC no frequency). This variant has not been reported in the literature in individuals affected with POLR3A-related conditions.